The following is an entry in ClinVar:

NM_006415.4(SPTLC1):c.994G>A (p.Gly332Ser)

Gene: SPTLC1 (serine palmitoyltransferase long chain base subunit 1; minus strand). Cytogenetic location: 9q22.31.
Variant type: single nucleotide variant.
Coding change: c.994G>A on transcript NM_006415.4 (MANE Select); coding-DNA position 994, G replaced by A.
Protein change: p.Gly332Ser; replaces glycine 332 with serine.
Molecular consequence: missense variant.
Genome position (GRCh38, 1-based): chr9:92,047,259, C>T on the plus strand (G>A on the coding strand, the complement: SPTLC1 is on the minus strand). VCF-style: chr9-92047259-C-T. GRCh37 (hg19) VCF-style: chr9-94809541-C-T.
Other names: c.994G>A, p.Gly332Ser (NM_001281303.2); c.628G>A, p.Gly210Ser (NM_001368272.1); c.529G>A, p.Gly177Ser (NM_001368273.1); short protein forms G332S, G177S, G210S.
Identifiers: ClinVar variation 2724801 (VCV002724801.4), dbSNP rs768829356, ClinGen allele CA5121347.

ClinVar aggregate classification (germline): Uncertain significance (1 of 4 stars; one submission).

Conditions:
Hereditary sensory and autonomic neuropathy type 1 (HSAN1). Also called: HSAN 1; HSN Type I; Hereditary Sensory Neuropathy Type I. Identifiers: Orphanet 36386, MedGen C0020071, MONDO:0018213.

Allele frequency attached by ClinVar (database versions not stated): ExAC 0.00001; gnomAD 0.00001; gnomAD exomes 0.00001.

Submissions (3):

Labcorp Genetics (formerly Invitae), Labcorp
Classification: Uncertain significance for Hereditary sensory and autonomic neuropathy type 1. Last evaluated: 2023-07-24. Review status: criteria provided, single submitter. Criteria: Invitae Variant Classification Sherloc (09022015). Collection method: clinical testing. Allele origin: germline.
Comment: This variant is present in population databases (rs768829356, gnomAD 0.01%). In summary, the available evidence is currently insufficient to determine the role of this variant in disease. Therefore, it has been classified as a Variant of Uncertain Significance. Advanced modeling of protein sequence and biophysical properties (such as structural, functional, and spatial information, amino acid conservation, physicochemical variation, residue mobility, and thermodynamic stability) performed at Invitae indicates that this missense variant is not expected to disrupt SPTLC1 protein function. This variant has not been reported in the literature in individuals affected with SPTLC1-related conditions. This sequence change replaces glycine, which is neutral and non-polar, with serine, which is neutral and polar, at codon 332 of the SPTLC1 protein (p.Gly332Ser).

Dr. Peter K. Rogan Lab, Western University
No classification provided (evidence only). Condition: Hepatocellular carcinoma. Review status: no classification provided. Collection method: in vitro. Allele origin: not applicable. Functional consequence: retained intron. Not counted in ClinVar's aggregate classification.

Dr. Peter K. Rogan Lab, Western University
No classification provided (evidence only). Condition: Gastric cancer. Review status: no classification provided. Collection method: in vitro. Allele origin: not applicable. Functional consequence: retained intron. Not counted in ClinVar's aggregate classification.